The following is an entry in ClinVar:

ClinVar aggregate classification (germline): Likely pathogenic (1 of 4 stars; one submission).

Submission:

GeneDx
Classification: Likely pathogenic. Last evaluated: 2021-04-22. Review status: criteria provided, single submitter. Criteria: GeneDx Variant Classification Process June 2021. Collection method: clinical testing. Allele origin: germline. Affected: yes.
Comment: Nonsense variant predicted to result in protein truncation or nonsense mediated decay in a gene for which loss-of-function is a known mechanism of disease; Not observed in large population cohorts (Lek et al., 2016); Has not been previously published as a pathogenic or benign germline variant to our knowledge; This variant is associated with the following publications: (PMID: 31937561, 31645765)

NM_015450.3(POT1):c.1369G>T (p.Gly457Ter)

Gene: POT1 (protection of telomeres 1; minus strand). Cytogenetic location: 7q31.33.
Variant type: single nucleotide variant.
Coding change: c.1369G>T on transcript NM_015450.3 (MANE Select); coding-DNA position 1369, G replaced by T.
Protein change: p.Gly457Ter; replaces glycine 457 with a stop codon.
Molecular consequence: nonsense. On other transcripts: non-coding transcript variant (3).
Genome position (GRCh38, 1-based): chr7:124,840,973, C>A on the plus strand (G>T on the coding strand, the complement: POT1 is on the minus strand). VCF-style: chr7-124840973-C-A. GRCh37 (hg19) VCF-style: chr7-124481027-C-A.
Other names: c.976G>T, p.Gly326Ter (NM_001042594.2); short protein forms G326*, G457*.
Identifiers: ClinVar variation 1301488 (VCV001301488.2), dbSNP rs2116460981, ClinGen allele CA369066562.
Genomic context (GRCh38, chr7:124,840,973, plus strand): 5'-TTAATTAGGAAAAATATGCAAAAGGAGTATTCTAACAAAACAGTGACTTAAATATCTTAC[C>A]TTCTATCAAAAGTAGACATTCATTTGAAAGCGGGAGAATACCATTATTTTTCACAAAATG-3'